The following is an entry in ClinVar:

NM_021098.3(CACNA1H):c.3934G>A (p.Ala1312Thr)

Gene: CACNA1H (calcium voltage-gated channel subunit alpha1 H; plus strand). Cytogenetic location: 16p13.3.
Variant type: single nucleotide variant.
Coding change: c.3934G>A on transcript NM_021098.3 (MANE Select); coding-DNA position 3934, G replaced by A.
Protein change: p.Ala1312Thr; replaces alanine 1312 with threonine.
Molecular consequence: missense variant.
Genome position (GRCh38, 1-based): chr16:1,210,458, G>A. VCF-style: chr16-1210458-G-A. GRCh37 (hg19) VCF-style: chr16-1260458-G-A.
Other names: c.3934G>A, p.Ala1312Thr (NM_001005407.2); short protein forms A1312T.
Identifiers: ClinVar variation 3905407 (VCV003905407.10).

ClinVar aggregate classification (germline): Uncertain significance (1 of 4 stars; one submission).

gnomAD v4.1: 6 of 1,611,212 alleles (0.00037%); highest among the groups gnomAD compares: Admixed American, 0.0033%; no homozygotes.

Submission:

CeGaT Center for Human Genetics Tuebingen
Classification: Uncertain significance. Last evaluated: 2025-05-01. Review status: criteria provided, single submitter. Criteria: CeGaT Center For Human Genetics Tuebingen Variant Classification Criteria Version 2. Collection method: clinical testing. Allele origin: germline. Affected: yes. Observed: 1 variant allele.
Comment: CACNA1H: PM2